The following is an entry in ClinVar:

ClinVar aggregate classification (germline): Uncertain significance. Review status: criteria provided, multiple submitters, no conflicts (2 of 4 stars). 3 submissions from 3 submitters: Uncertain significance (2). 1 of the submissions does not count toward it. Last evaluated 2025-04-23.

Conditions:
Left ventricular noncompaction 8 (LVNC8). Identifiers: Orphanet 154, Orphanet 54260, MedGen C3809288, MONDO:0014152, OMIM 615373.
Wolff-Parkinson-White pattern. Also called: WPW SYNDROME; Auriculoventricular accessory pathway syndrome; False bundle branch block syndrome; Anomalous ventricular excitation syndrome. Identifiers: MedGen C0043202, MONDO:0008685, OMIM 194200, HP:0001716.

Allele frequency attached by ClinVar (database versions not stated): TOPMed 0.00002.
gnomAD v4.1: 16 of 1,610,876 alleles (0.00099%); highest among the groups gnomAD compares: East Asian, 0.0067%; no homozygotes.

Submissions (3):

Labcorp Genetics (formerly Invitae), Labcorp
Classification: Uncertain significance for Left ventricular noncompaction 8. Last evaluated: 2025-04-23. Review status: criteria provided, single submitter. Criteria: Invitae Variant Classification Sherloc (09022015). Collection method: clinical testing. Allele origin: germline.
Comment: This sequence change replaces threonine, which is neutral and polar, with methionine, which is neutral and non-polar, at codon 952 of the PRDM16 protein (p.Thr952Met). This variant is present in population databases (rs749180764, gnomAD 0.009%). This missense change has been observed in individual(s) with Wolf-Parkinson-White syndrome (PMID: 32233023). ClinVar contains an entry for this variant (Variation ID: 487592). An algorithm developed to predict the effect of missense changes on protein structure and function (PolyPhen-2) suggests that this variant is likely to be disruptive. In summary, the available evidence is currently insufficient to determine the role of this variant in disease. Therefore, it has been classified as a Variant of Uncertain Significance.

GeneDx
Classification: Uncertain significance. Last evaluated: 2024-08-14. Review status: criteria provided, single submitter. Criteria: GeneDx Variant Classification Process June 2021. Collection method: clinical testing. Allele origin: germline. Affected: yes.
Comment: Identified in a patient with Wolff-Parkinson-White (WPW) syndrome, supraventricular tachycardia (SVT), an atrial septal defect, and a ventricular septal defect (PMID: 32233023); In silico analysis supports that this missense variant has a deleterious effect on protein structure/function; This variant is associated with the following publications: (PMID: 32233023)

Lupski Lab, Baylor-Hopkins CMG, Baylor College of Medicine
Classification: Uncertain significance for Wolff-Parkinson-White pattern. Last evaluated: 2017-07-14. Review status: no assertion criteria provided. Collection method: research. Allele origin: unknown. Affected: yes. Observed: 1 variant allele. Study: Candidate_variants_in_patients_with_ Wolff-Parkinson-White Syndrome. Not counted in ClinVar's aggregate classification.

Literature cited by the submitters: PubMed 32233023 (cited by Labcorp Genetics (formerly Invitae), Labcorp).

NM_022114.4(PRDM16):c.2855C>T (p.Thr952Met)

Gene: PRDM16 (PR/SET domain 16; plus strand). Cytogenetic location: 1p36.32.
Variant type: single nucleotide variant.
Coding change: c.2855C>T on transcript NM_022114.4 (MANE Select); coding-DNA position 2855, C replaced by T.
Protein change: p.Thr952Met; replaces threonine 952 with methionine.
Molecular consequence: missense variant.
Genome position (GRCh38, 1-based): chr1:3,417,991, C>T. VCF-style: chr1-3417991-C-T. GRCh37 (hg19) VCF-style: chr1-3334555-C-T.
Other names: c.2855C>T, p.Thr952Met (NM_199454.3); short protein forms T952M.
Identifiers: ClinVar variation 487592 (VCV000487592.7), dbSNP rs749180764, ClinGen allele CA544627.